The following is an entry in ClinVar:

ClinVar aggregate classification (germline): Conflicting classifications of pathogenicity. Review status: criteria provided, conflicting classifications (1 of 4 stars). 3 submissions from 3 submitters: Uncertain significance (1); Likely benign (1). 1 of the submissions does not count toward it. Last evaluated 2026-01-16.

Conditions:
FOXRED1-related disorder. Also called: FOXRED1-related condition.

Allele frequency attached by ClinVar (database versions not stated): gnomAD exomes 0.00007 and 0.00017; ExAC 0.00018; 1000 Genomes Project 0.00060; 1000 Genomes Project 30x 0.00062; gnomAD 0.00064 and 0.00066; TOPMed 0.00069; ESP Exome Variant Server 0.00100.
gnomAD v4.1: 202 of 1,613,998 alleles (0.013%); highest among the groups gnomAD compares: African/African-American, 0.24%; 1 homozygote.

Submissions (3):

Labcorp Genetics (formerly Invitae), Labcorp
Classification: Likely benign. Last evaluated: 2026-01-16. Review status: criteria provided, single submitter. Criteria: Invitae Variant Classification Sherloc (09022015). Collection method: clinical testing. Allele origin: germline.

GeneDx
Classification: Uncertain significance. Last evaluated: 2025-01-30. Review status: criteria provided, single submitter. Criteria: GeneDx Variant Classification Process June 2021. Collection method: clinical testing. Allele origin: germline. Affected: yes.
Comment: In silico analysis indicates that this missense variant does not alter protein structure/function; Has not been previously published as pathogenic or benign to our knowledge

PreventionGenetics, part of Exact Sciences
Classification: Likely benign for FOXRED1-related condition. Last evaluated: 2023-08-22. Review status: no assertion criteria provided. Collection method: clinical testing. Allele origin: germline. Not counted in ClinVar's aggregate classification.
Comment: This variant is classified as likely benign based on ACMG/AMP sequence variant interpretation guidelines (Richards et al. 2015 PMID: 25741868, with internal and published modifications).

NM_017547.4(FOXRED1):c.683G>A (p.Arg228Gln)

Gene: FOXRED1 (FAD dependent oxidoreductase domain containing 1; plus strand). Cytogenetic location: 11q24.2.
Variant type: single nucleotide variant.
Coding change: c.683G>A on transcript NM_017547.4 (MANE Select); coding-DNA position 683, G replaced by A.
Protein change: p.Arg228Gln; replaces arginine 228 with glutamine.
Molecular consequence: missense variant. On other transcripts: non-coding transcript variant (2).
Genome position (GRCh38, 1-based): chr11:126,275,378, G>A. VCF-style: chr11-126275378-G-A. GRCh37 (hg19) VCF-style: chr11-126145273-G-A.
Other names: short protein forms R228Q.
Identifiers: ClinVar variation 449825 (VCV000449825.13), dbSNP rs139851379, ClinGen allele CA6354174.